The following is an entry in ClinVar:

ClinVar aggregate classification (germline): Uncertain significance (1 of 4 stars; one submission).

Conditions:
Ullrich congenital muscular dystrophy 2 (UCMD2). Identifiers: Orphanet 75840, MedGen C4225314, MONDO:0014654, OMIM 616470.
Bethlem myopathy 2 (BTHLM2). Identifiers: Orphanet 536516, Orphanet 610, MedGen C4225313, MONDO:0034022, OMIM 616471.

Allele frequency attached by ClinVar (database versions not stated): gnomAD exomes below 0.00001.
gnomAD v4.1: 2 of 1,584,404 alleles (0.00013%); highest among the groups gnomAD compares: Non-Finnish European, 0.00017%; no homozygotes.

Submission:

Labcorp Genetics (formerly Invitae), Labcorp
Classification: Uncertain significance for Bethlem myopathy 2; Ullrich congenital muscular dystrophy 2. Last evaluated: 2022-07-05. Review status: criteria provided, single submitter. Criteria: Invitae Variant Classification Sherloc (09022015). Collection method: clinical testing. Allele origin: germline.
Comment: ClinVar contains an entry for this variant (Variation ID: 1041420). In summary, the available evidence is currently insufficient to determine the role of this variant in disease. Therefore, it has been classified as a Variant of Uncertain Significance. Algorithms developed to predict the effect of missense changes on protein structure and function are either unavailable or do not agree on the potential impact of this missense change (SIFT: "Deleterious"; PolyPhen-2: "Probably Damaging"; Align-GVGD: "Class C0"). This variant has not been reported in the literature in individuals affected with COL12A1-related conditions. This variant is present in population databases (no rsID available, gnomAD 0.0009%). This sequence change replaces proline, which is neutral and non-polar, with threonine, which is neutral and polar, at codon 28 of the COL12A1 protein (p.Pro28Thr).

NM_004370.6(COL12A1):c.82C>A (p.Pro28Thr)

Gene: COL12A1 (collagen type XII alpha 1 chain; minus strand). Cytogenetic location: 6q13.
Variant type: single nucleotide variant.
Coding change: c.82C>A on transcript NM_004370.6 (MANE Select); coding-DNA position 82, C replaced by A.
Protein change: p.Pro28Thr; replaces proline 28 with threonine.
Molecular consequence: missense variant. On other transcripts: intron variant (1).
Genome position (GRCh38, 1-based): chr6:75,194,939, G>T on the plus strand (C>A on the coding strand, the complement: COL12A1 is on the minus strand). VCF-style: chr6-75194939-G-T. GRCh37 (hg19) VCF-style: chr6-75904655-G-T.
Other names: c.73+7781C>A (NM_080645.3); short protein forms P28T.
Identifiers: ClinVar variation 1041420 (VCV001041420.9), dbSNP rs1473515166, ClinGen allele CA364732246.
Genomic context (GRCh38, chr6:75,194,939, plus strand): 5'-GTTTTGCCCATGACATATGAACAGTATTTTCATCTATAATTTTAAAATTCAAGTCTGAAG[G>T]TGGGTCAACTGCAAAAGAGAGAGTTTATATTATTAAACTTTTCAATGTCACAAAATGGTC-3'
Protein context (NP_004361.3, residues 18-38): LSSIEAEVDP[Pro28Thr]SDLNFKIIDE